The following is an entry in ClinVar:

NM_000443.4(ABCB4):c.*12A>G

Gene: ABCB4 (ATP binding cassette subfamily B member 4; minus strand). Cytogenetic location: 7q21.12.
Variant type: single nucleotide variant.
Coding change: c.*12A>G on transcript NM_000443.4 (MANE Select); 12 bases downstream of the stop codon, A replaced by G.
Molecular consequence: 3 prime UTR variant.
Genome position (GRCh38, 1-based): chr7:87,402,084, T>C on the plus strand (A>G on the coding strand, the complement: ABCB4 is on the minus strand). VCF-style: chr7-87402084-T-C. GRCh37 (hg19) VCF-style: chr7-87031400-T-C.
Other names: c.*12A>G (NM_018849.3, NM_018850.3).
Identifiers: ClinVar variation 4846319 (VCV004846319.1).

ClinVar aggregate classification (germline): Uncertain significance (1 of 4 stars; one submission).

Conditions:
Familial intrahepatic cholestasis. Identifiers: Orphanet 284385, MedGen CN296401, MONDO:0017290.
Low phospholipid associated cholelithiasis (GBD1). Also called: Gallbladder disease 1; Gallstone cholecystitis. Identifiers: Orphanet 69663, MedGen C2609268, MONDO:0010939, OMIM 600803.

gnomAD v4.1: 2 of 1,613,944 alleles (0.00012%); highest among the groups gnomAD compares: East Asian, 0.0022%; no homozygotes.

Submission:

Genomenon, Inc
Classification: Uncertain significance for Familial intrahepatic cholestasis; Low phospholipid associated cholelithiasis. Last evaluated: 2026-04-14. Review status: criteria provided, single submitter. Criteria: Genomenon Sequence Variant Interpretation Standards - Updated. Collection method: curation. Allele origin: germline. Affected: no.
Comment: ABCB4 c.*12A>G is a variant located in the 3′ untranslated region (3′ UTR). This variant has been reported in the published literature (PMID:30079523). It is absent or not present at a significant frequency in gnomAD. In conclusion, we classify ABCB4 c.*12A>G as a variant of uncertain significance.

Literature cited by the submitters: PubMed 30079523.